The following is an entry in ClinVar:

NM_000161.3(GCH1):c.185del (p.Glu62fs)

Gene: GCH1 (GTP cyclohydrolase 1; minus strand). Cytogenetic location: 14q22.2.
Variant type: Deletion.
Coding change: c.185del on transcript NM_000161.3 (MANE Select); coding-DNA position 185, one base deleted (A; older notation c.185delA).
Protein change: p.Glu62fs; shifts the reading frame from glutamic acid 62.
Molecular consequence: frameshift variant.
Genome position (GRCh38, 1-based): chr14:54,902,479, T deleted on the plus strand (A on the coding strand, the reverse complement: GCH1 is on the minus strand). VCF-style (leftmost placement, unchanged base first): chr14-54902478-CT-C. GRCh37 (hg19) VCF-style: chr14-55369196-CT-C.
Other names: c.185del, p.Glu62fs (NM_001024024.2, NM_001024070.2, NM_001024071.2); short protein forms E62fs.
Identifiers: ClinVar variation 2135414 (VCV002135414.4), dbSNP rs2504540200, ClinGen allele CA2580088251.

ClinVar aggregate classification (germline): Pathogenic (1 of 4 stars; one submission).

Conditions:
Dystonia 5 (DRD). Also called: GTP Cyclohydrolase 1-Deficient Dopa-Responsive Dystonia; Dystonia, DOPA-responsive, with or without hyperphenylalaninemia; DYT-GCH1; DYSTONIA, PROGRESSIVE, WITH DIURNAL VARIATION; DYSTONIA-PARKINSONISM WITH DIURNAL FLUCTUATION. Identifiers: Orphanet 98808, MedGen C1851920, MONDO:0007495, OMIM 128230.
GTP cyclohydrolase I deficiency. Identifiers: MedGen C0268467, MONDO:0100184.

Submission:

Labcorp Genetics (formerly Invitae), Labcorp
Classification: Pathogenic for GTP cyclohydrolase I deficiency; Dystonia 5. Last evaluated: 2022-05-08. Review status: criteria provided, single submitter. Criteria: Invitae Variant Classification Sherloc (09022015). Collection method: clinical testing. Allele origin: germline.
Comment: For these reasons, this variant has been classified as Pathogenic. This variant has not been reported in the literature in individuals affected with GCH1-related conditions. This variant is not present in population databases (gnomAD no frequency). This sequence change creates a premature translational stop signal (p.Glu62Glyfs*5) in the GCH1 gene. It is expected to result in an absent or disrupted protein product. Loss-of-function variants in GCH1 are known to be pathogenic (PMID: 9667588, 19332422, 19491146, 25557619).

Literature cited by the submitters: PubMed 9667588; PubMed 19332422; PubMed 19491146; PubMed 25557619.